The following is an entry in ClinVar:

ClinVar aggregate classification (germline): Uncertain significance (1 of 4 stars; one submission).

Submission:

GeneDx
Classification: Uncertain significance. Last evaluated: 2026-03-11. Review status: criteria provided, single submitter. Criteria: GeneDx Variant Classification Process June 2021. Collection method: clinical testing. Allele origin: germline.
Comment: Not observed at significant frequency in large population cohorts (gnomAD); In silico analysis supports that this missense variant has a deleterious effect on protein structure/function; Has not been previously published as pathogenic or benign to our knowledge

NM_001042424.3(NSD2):c.2051G>A (p.Gly684Glu)

Gene: NSD2 (nuclear receptor binding SET domain protein 2; plus strand). Cytogenetic location: 4p16.3.
Variant type: single nucleotide variant.
Coding change: c.2051G>A on transcript NM_001042424.3 (MANE Select); coding-DNA position 2051, G replaced by A.
Protein change: p.Gly684Glu; replaces glycine 684 with glutamic acid.
Molecular consequence: missense variant.
Genome position (GRCh38, 1-based): chr4:1,952,145, G>A. VCF-style: chr4-1952145-G-A. GRCh37 (hg19) VCF-style: chr4-1953872-G-A.
Other names: c.2051G>A, p.Gly684Glu (NM_001440892.1, NM_001440894.1, NM_001440895.1 and 4 more transcripts); c.2150G>A, p.Gly717Glu (NM_001440893.1); c.1844G>A, p.Gly615Glu (NM_001440897.1, NM_001440898.1); c.1082G>A, p.Gly361Glu (NM_001440899.1, NM_001440900.1); short protein forms G684E, G361E, G615E, G717E.
Identifiers: ClinVar variation 5008713 (VCV005008713.1).
Genomic context (GRCh38, chr4:1,952,145, plus strand): 5'-ACCCGCCTGCTCTGCCCCCGCAGCTGTGTGAGAAGCCGGGCAGCCTCCTGCTCTGTGAAG[G>A]ACCCTGCTGCGGAGCTTTCCACCTCGCCTGCCTTGGGCTTTCCCGGAGGCCAGAAGGGAG-3'
Protein context (NP_001035889.1, residues 674-694): EKPGSLLLCE[Gly684Glu]PCCGAFHLAC